The following is an entry in ClinVar:

NM_001004334.4(GPR179):c.6686C>T (p.Pro2229Leu)

Gene: GPR179 (G protein-coupled receptor 179; minus strand). Cytogenetic location: 17q12.
Variant type: single nucleotide variant.
Coding change: c.6686C>T on transcript NM_001004334.4 (MANE Select); coding-DNA position 6686, C replaced by T.
Protein change: p.Pro2229Leu; replaces proline 2229 with leucine.
Molecular consequence: missense variant.
Genome position (GRCh38, 1-based): chr17:38,326,883, G>A on the plus strand (C>T on the coding strand, the complement: GPR179 is on the minus strand). VCF-style: chr17-38326883-G-A. GRCh37 (hg19) VCF-style: chr17-36482766-G-A.
Other names: short protein forms P2229L.
Identifiers: ClinVar variation 1014302 (VCV001014302.8), dbSNP rs370368728, ClinGen allele CA290102859.

ClinVar aggregate classification (germline): Uncertain significance (1 of 4 stars; one submission).

Allele frequency attached by ClinVar (database versions not stated): gnomAD exomes 0.00001; ExAC 0.00002; gnomAD 0.00004; TOPMed 0.00005; ESP Exome Variant Server 0.00008.
gnomAD v4.1: 7 of 1,613,998 alleles (0.00043%); highest among the groups gnomAD compares: African/African-American, 0.0093%; no homozygotes.

Submission:

Labcorp Genetics (formerly Invitae), Labcorp
Classification: Uncertain significance. Last evaluated: 2024-10-25. Review status: criteria provided, single submitter. Criteria: Invitae Variant Classification Sherloc (09022015). Collection method: clinical testing. Allele origin: germline.
Comment: This sequence change replaces proline, which is neutral and non-polar, with leucine, which is neutral and non-polar, at codon 2229 of the GPR179 protein (p.Pro2229Leu). This variant is present in population databases (rs370368728, gnomAD 0.01%). This variant has not been reported in the literature in individuals affected with GPR179-related conditions. ClinVar contains an entry for this variant (Variation ID: 1014302). An algorithm developed to predict the effect of missense changes on protein structure and function outputs the following: PolyPhen-2: "Possibly Damaging". The leucine amino acid residue is found in multiple mammalian species, which suggests that this missense change does not adversely affect protein function. In summary, the available evidence is currently insufficient to determine the role of this variant in disease. Therefore, it has been classified as a Variant of Uncertain Significance.